The following is an entry in ClinVar:

ClinVar aggregate classification (germline): Likely pathogenic (1 of 4 stars; one submission).

gnomAD v4.1: 7 of 1,573,576 alleles (0.00044%); highest among the groups gnomAD compares: Non-Finnish European, 0.00026%; no homozygotes.

Submission:

Dasa
Classification: Likely pathogenic. Last evaluated: 2025-03-10. Review status: criteria provided, single submitter. Criteria: DASA Assertion Criteria. Collection method: clinical testing. Allele origin: germline.
Comment: NM_017736.5(THUMPD1):c.130C>T (p.Gln44*) is a nonsense variant in THUMPD1 predicted to introduce a premature termination codon and is predicted to result in an absent or altered protein product. Loss of function is an established disease mechanism for THUMPD1-associated disorders. Also, this variant is rare in population databases. Based on the currently available evidence, this variant is classified as likely pathogenic.

NM_017736.5(THUMPD1):c.130C>T (p.Gln44Ter)

Genes: ACSM3 (acyl-CoA synthetase medium chain family member 3; plus strand), THUMPD1 (THUMP domain 1 NAT10 acetyltransferase adaptor; minus strand), LOC130058602 (ATAC-STARR-seq lymphoblastoid active region 10537; plus strand). Cytogenetic location: 16p12.3.
Variant type: single nucleotide variant.
Coding change: c.130C>T on transcript NM_017736.5 (MANE Select); coding-DNA position 130, C replaced by T.
Protein change: p.Gln44Ter; replaces glutamine 44 with a stop codon.
Molecular consequence: nonsense.
Genome position (GRCh38, 1-based): chr16:20,741,610, G>A on the plus strand (C>T on the coding strand, the complement: THUMPD1 is on the minus strand). VCF-style: chr16-20741610-G-A. GRCh37 (hg19) VCF-style: chr16-20752932-G-A.
Other names: c.130C>T, p.Gln44Ter (NM_001304550.2); short protein forms Q44*.
Identifiers: ClinVar variation 4886392 (VCV004886392.2).